The following is an entry in ClinVar:

NM_001316692.2(GNG14):c.213C>T (p.Ala71=)

Gene: GNG14 (G protein subunit gamma 14; plus strand). Cytogenetic location: 19p13.13.
Variant type: single nucleotide variant.
Coding change: c.213C>T on transcript NM_001316692.2 (MANE Select); coding-DNA position 213, C replaced by T.
Protein change: p.Ala71=; no amino-acid change (alanine 71 retained).
Molecular consequence: synonymous variant.
Genome position (GRCh38, 1-based): chr19:12,688,261, C>T. VCF-style: chr19-12688261-C-T. GRCh37 (hg19) VCF-style: chr19-12799075-C-T.
Identifiers: ClinVar variation 2649344 (VCV002649344.24), dbSNP rs184571217, ClinGen allele CA9228083.

ClinVar aggregate classification (germline): Likely benign (1 of 4 stars; one submission).

Allele frequency attached by ClinVar (database versions not stated): ExAC 0.00009; TOPMed 0.00066; gnomAD 0.00075; 1000 Genomes Project 30x 0.00094; 1000 Genomes Project 0.00100.
gnomAD v4.1: 672 of 702,486 alleles (0.096%); highest among the groups gnomAD compares: Non-Finnish European, 0.15%; 1 homozygote.

Submission:

CeGaT Center for Human Genetics Tuebingen
Classification: Likely benign. Last evaluated: 2022-11-01. Review status: criteria provided, single submitter. Criteria: CeGaT Center For Human Genetics Tuebingen Variant Classification Criteria Version 2. Collection method: clinical testing. Allele origin: germline. Affected: yes. Observed: 1 variant allele.
Comment: GNG14: BP4, BP7